The following is an entry in ClinVar:

ClinVar aggregate classification (germline): Uncertain significance (1 of 4 stars; one submission).

Submission:

GeneDx
Classification: Uncertain significance. Last evaluated: 2019-09-23. Review status: criteria provided, single submitter. Criteria: GeneDx Variant Classification Process June 2021. Collection method: clinical testing. Allele origin: germline. Affected: yes.
Comment: Not observed in large population cohorts (Lek et al., 2016); In silico analysis, which includes protein predictors and evolutionary conservation, supports a deleterious effect; Has not been previously published as pathogenic or benign to our knowledge

NM_001378183.1(PIEZO2):c.7820T>C (p.Ile2607Thr)

Gene: PIEZO2 (piezo type mechanosensitive ion channel component 2; minus strand). Cytogenetic location: 18p11.22.
Variant type: single nucleotide variant.
Coding change: c.7820T>C on transcript NM_001378183.1 (MANE Select); coding-DNA position 7820, T replaced by C.
Protein change: p.Ile2607Thr; replaces isoleucine 2607 with threonine.
Molecular consequence: missense variant.
Genome position (GRCh38, 1-based): chr18:10,680,331, A>G on the plus strand (T>C on the coding strand, the complement: PIEZO2 is on the minus strand). VCF-style: chr18-10680331-A-G. GRCh37 (hg19) VCF-style: chr18-10680328-A-G.
Other names: c.7481T>C, p.Ile2494Thr (NM_022068.4); short protein forms I2494T, I2607T.
Identifiers: ClinVar variation 1308826 (VCV001308826.2), dbSNP rs2143487888, ClinGen allele CA401914318.